The following is an entry in ClinVar:

NM_002677.5(PMP2):c.160A>C (p.Thr54Pro)

Gene: PMP2 (peripheral myelin protein 2; minus strand). Cytogenetic location: 8q21.13.
Variant type: single nucleotide variant.
Coding change: c.160A>C on transcript NM_002677.5 (MANE Select); coding-DNA position 160, A replaced by C.
Protein change: p.Thr54Pro; replaces threonine 54 with proline.
Molecular consequence: missense variant. On other transcripts: intron variant (1).
Genome position (GRCh38, 1-based): chr8:81,444,903, T>G on the plus strand (A>C on the coding strand, the complement: PMP2 is on the minus strand). VCF-style: chr8-81444903-T-G. GRCh37 (hg19) VCF-style: chr8-82357138-T-G.
Other names: c.74-302A>C (NM_001348381.2); short protein forms T54P.
Identifiers: ClinVar variation 1498601 (VCV001498601.8), dbSNP rs761097265, ClinGen allele CA371518038.

ClinVar aggregate classification (germline): Uncertain significance (1 of 4 stars; one submission).

Submission:

Labcorp Genetics (formerly Invitae), Labcorp
Classification: Uncertain significance. Last evaluated: 2021-06-14. Review status: criteria provided, single submitter. Criteria: Invitae Variant Classification Sherloc (09022015). Collection method: clinical testing. Allele origin: germline.
Comment: This sequence change replaces threonine with proline at codon 54 of the PMP2 protein (p.Thr54Pro). The threonine residue is moderately conserved and there is a small physicochemical difference between threonine and proline. This variant is not present in population databases (ExAC no frequency). This variant has not been reported in the literature in individuals with PMP2-related conditions. Algorithms developed to predict the effect of missense changes on protein structure and function are either unavailable or do not agree on the potential impact of this missense change (SIFT: "Tolerated"; PolyPhen-2: "Probably Damaging"; Align-GVGD: "Class C0"). In summary, the available evidence is currently insufficient to determine the role of this variant in disease. Therefore, it has been classified as a Variant of Uncertain Significance.